The following is an entry in ClinVar:

NM_015158.5(KANK1):c.1884C>A (p.Ile628=)

Gene: KANK1 (KN motif and ankyrin repeat domains 1; plus strand). Cytogenetic location: 9p24.3.
Variant type: single nucleotide variant.
Coding change: c.1884C>A on transcript NM_015158.5 (MANE Select); coding-DNA position 1884, C replaced by A.
Protein change: p.Ile628=; no amino-acid change (isoleucine 628 retained).
Molecular consequence: synonymous variant. On other transcripts: non-coding transcript variant (1).
Genome position (GRCh38, 1-based): chr9:712,650, C>A. VCF-style: chr9-712650-C-A. GRCh37 (hg19) VCF-style: chr9-712650-C-A.
Other names: c.1884C>A, p.Ile628= (NM_001256876.3, NM_001256877.3, NM_001354331.2 and 3 more transcripts); c.1410C>A, p.Ile470= (NM_001354333.2, NM_001354335.2, NM_001354336.2 and 10 more transcripts).
Identifiers: ClinVar variation 5039915 (VCV005039915.1).

ClinVar aggregate classification (germline): Likely benign (1 of 4 stars; one submission).

gnomAD v4.1: 1 of 1,614,144 alleles (0.000062%); highest among the groups gnomAD compares: Non-Finnish European, 0.000085%; no homozygotes.

Submission:

CeGaT Center for Human Genetics Tuebingen
Classification: Likely benign. Last evaluated: 2026-07-01. Review status: criteria provided, single submitter. Criteria: CeGaT Center For Human Genetics Tuebingen Variant Classification Criteria Version 2. Collection method: clinical testing. Allele origin: germline. Affected: yes. Observed: 1 variant allele.
Comment: KANK1: BP4, BP7